The following is an entry in ClinVar:

ClinVar aggregate classification (germline): Conflicting classifications of pathogenicity. Review status: criteria provided, conflicting classifications (1 of 4 stars). 4 submissions from 4 submitters: Uncertain significance (3); Likely benign (1). Last evaluated 2026-02-06.

Conditions:
Hereditary sensory neuropathy-deafness-dementia syndrome. Also called: HSN IE; Hereditary sensory neuropathy type IE; NEUROPATHY, HEREDITARY SENSORY, WITH HEARING LOSS AND DEMENTIA; Hereditary Sensory and Autonomic Neuropathy Type 1E (HSAN1E). Identifiers: Orphanet 456318, MedGen C3279885, MONDO:0013584, OMIM 614116.
DNMT1-related disorder. Also called: DNMT1-related condition. Identifiers: MedGen CN381527.

Allele frequency attached by ClinVar (database versions not stated): gnomAD exomes 0.00002; TOPMed 0.00002; ExAC 0.00004; ESP Exome Variant Server 0.00008.
gnomAD v4.1: 61 of 1,613,402 alleles (0.0038%); highest among the groups gnomAD compares: Non-Finnish European, 0.0045%; no homozygotes.

Submissions (4):

PreventionGenetics, part of Exact Sciences
Classification: Uncertain significance for DNMT1-related condition. Last evaluated: 2026-02-06. Review status: criteria provided, single submitter. Criteria: ACMG Guidelines, 2015. Collection method: clinical testing. Allele origin: germline.
Comment: The DNMT1 c.4255G>A variant is predicted to result in the amino acid substitution p.Ala1419Thr. To our knowledge, this variant has not been reported in the literature. This variant is reported in 0.0055% of alleles in individuals of East Asian descent in gnomAD. At this time, the clinical significance of this variant is uncertain due to the absence of conclusive functional and genetic evidence.

Labcorp Genetics (formerly Invitae), Labcorp
Classification: Uncertain significance for Hereditary sensory neuropathy-deafness-dementia syndrome. Last evaluated: 2026-02-01. Review status: criteria provided, single submitter. Criteria: Invitae Variant Classification Sherloc (09022015). Collection method: clinical testing. Allele origin: germline.
Comment: This sequence change replaces alanine, which is neutral and non-polar, with threonine, which is neutral and polar, at codon 1419 of the DNMT1 protein (p.Ala1419Thr). This variant is present in population databases (rs374047326, gnomAD 0.005%). This variant has not been reported in the literature in individuals affected with DNMT1-related conditions. ClinVar contains an entry for this variant (Variation ID: 450943). Invitae Evidence Modeling of protein sequence and biophysical properties (such as structural, functional, and spatial information, amino acid conservation, physicochemical variation, residue mobility, and thermodynamic stability) indicates that this missense variant is not expected to disrupt DNMT1 protein function with a negative predictive value of 80%. In summary, the available evidence is currently insufficient to determine the role of this variant in disease. Therefore, it has been classified as a Variant of Uncertain Significance.

CeGaT Center for Human Genetics Tuebingen
Classification: Likely benign. Last evaluated: 2025-06-01. Review status: criteria provided, single submitter. Criteria: CeGaT Center For Human Genetics Tuebingen Variant Classification Criteria Version 2. Collection method: clinical testing. Allele origin: germline. Affected: yes. Observed: 1 variant allele.
Comment: DNMT1: BP4

GeneDx
Classification: Uncertain significance. Last evaluated: 2017-08-01. Review status: criteria provided, single submitter. Criteria: GeneDx Variant Classification (06012015). Collection method: clinical testing. Allele origin: germline. Affected: yes.
Comment: A variant of uncertain significance has been identified in the DNMT1 gene. The A1419T variant has not been published as a pathogenic variant, nor has it been reported as a benign variant to our knowledge. The A1419T variant is observed in 1/8304 (0.01%) alleles from individuals of East Asian background (Lek et al., 2016; 1000 Genomes Consortium et al., 2015; Exome Variant Server). The A1419T variant is a non-conservative amino acid substitution, which is likely to impact secondary protein structure as these residues differ in polarity, charge, size and/or other properties. This substitution occurs at a position that is not conserved. In silico analysis is inconsistent in its predictions as to whether or not the variant is damaging to the protein structure/function. Therefore, based on the currently available information, it is unclear whether this variant is a pathogenic variant or a rare benign variant.

NM_001130823.3(DNMT1):c.4255G>A (p.Ala1419Thr)

Gene: DNMT1 (DNA methyltransferase 1; minus strand). Cytogenetic location: 19p13.2.
Variant type: single nucleotide variant.
Coding change: c.4255G>A on transcript NM_001130823.3 (MANE Select); coding-DNA position 4255, G replaced by A.
Protein change: p.Ala1419Thr; replaces alanine 1419 with threonine.
Molecular consequence: missense variant.
Genome position (GRCh38, 1-based): chr19:10,137,870, C>T on the plus strand (G>A on the coding strand, the complement: DNMT1 is on the minus strand). VCF-style: chr19-10137870-C-T. GRCh37 (hg19) VCF-style: chr19-10248546-C-T.
Other names: c.4207G>A, p.Ala1403Thr (NM_001318730.2, NM_001379.4); c.3892G>A, p.Ala1298Thr (NM_001318731.2); c.4255G>A (NM_001130823.2, LRG_362t1); short protein forms A1419T, A1298T, A1403T.
Identifiers: ClinVar variation 450943 (VCV000450943.16), dbSNP rs374047326, ClinGen allele CA9187558.